The following is an entry in ClinVar:

NM_003560.4(PLA2G6):c.1765_1768del (p.Ser589fs)

Gene: PLA2G6 (phospholipase A2 group VI; minus strand). Cytogenetic location: 22q13.1.
Variant type: Deletion.
Coding change: c.1765_1768del on transcript NM_003560.4 (MANE Select); coding-DNA positions 1765 to 1768, 4 bases deleted (TCTG; older notation c.1765_1768delTCTG).
Protein change: p.Ser589fs; shifts the reading frame from serine 589.
Molecular consequence: frameshift variant.
Genome position (GRCh38, 1-based): chr22:38,116,186-38,116,189, CAGA deleted on the plus strand (TCTG on the coding strand, the reverse complement: PLA2G6 is on the minus strand); deleting any 4 consecutive bases within chr22:38,116,186-38,116,192 gives the same sequence; the c. name uses the placement nearest the transcript's 3' end. VCF-style (leftmost placement, unchanged base first): chr22-38116185-TCAGA-T. GRCh37 (hg19) VCF-style: chr22-38512192-TCAGA-T.
Other names: NM_001004426.3:c.1603_1606del; c.1603_1606del, p.Ser535fs (NM_001004426.3, NM_001199562.3, NM_001349865.2 and 1 more transcripts); c.1765_1768del, p.Ser589fs (NM_001349864.2); c.1231_1234del, p.Ser411fs (NM_001349867.2); c.1087_1090del, p.Ser363fs (NM_001349868.2); c.1069_1072del, p.Ser357fs (NM_001349869.2); short protein forms S363fs, S411fs, S357fs, S535fs, S589fs.
Identifiers: ClinVar variation 2138448 (VCV002138448.4), dbSNP rs1485023784, ClinGen allele CA639215797.
Genomic context (GRCh38, chr22:38,116,185, plus strand): 5'-TCCCGGACAGTTTCTGGAGCATCGTAGTTCCGGAAGAGGTGGAGTTCAGCCGGCTGCCGG[TCAGA>T]CAGTGTCCCTGTCAGCATCACCCTGGAGAGAAATGAGGCAGGAGGACGGCTGAGCCACCC-3'

ClinVar aggregate classification (germline): Pathogenic/Likely pathogenic. Review status: criteria provided, multiple submitters, no conflicts (2 of 4 stars). 2 submissions from 2 submitters: Pathogenic (1); Likely pathogenic (1). Last evaluated 2024-02-07.

Conditions:
Infantile neuroaxonal dystrophy (NBIA2A). Also called: NEURODEGENERATION WITH BRAIN IRON ACCUMULATION 2A; SEITELBERGER DISEASE; Infantile neuroaxonal dystrophy 1. Identifiers: Orphanet 35069, MedGen C0270724, MONDO:0024457, OMIM 256600.
PLA2G6-associated neurodegeneration (PLAN). Also called: phospholipase A2-associated neurodegeneration. Identifiers: Orphanet 329303, MedGen CN204472, MONDO:0017998.

Submissions (2):

Labcorp Genetics (formerly Invitae), Labcorp
Classification: Pathogenic for Infantile neuroaxonal dystrophy. Last evaluated: 2024-02-07. Review status: criteria provided, single submitter. Criteria: Invitae Variant Classification Sherloc (09022015). Collection method: clinical testing. Allele origin: germline.
Comment: This sequence change creates a premature translational stop signal (p.Ser589Thrfs*76) in the PLA2G6 gene. It is expected to result in an absent or disrupted protein product. Loss-of-function variants in PLA2G6 are known to be pathogenic (PMID: 16783378, 18570303, 18799783, 22213678). This variant is present in population databases (no rsID available, gnomAD 0.0009%). This premature translational stop signal has been observed in individual(s) with infantile neuroaxonal dystrophy (PMID: 28295203). ClinVar contains an entry for this variant (Variation ID: 2138448). For these reasons, this variant has been classified as Pathogenic.

Broad Center for Mendelian Genomics, Broad Institute of MIT and Harvard
Classification: Likely pathogenic for PLA2G6-associated neurodegeneration. Last evaluated: 2023-01-24. Review status: criteria provided, single submitter. Criteria: ACMG Guidelines, 2015. Collection method: curation. Allele origin: germline. Inheritance: Autosomal recessive inheritance.
Comment: The p.Ser589fs variant in PLA2G6 has been reported in 1 individual, in the compound heterozygous state, with PLA2G6-associated neurodegeneration (PMID: 28295203) and has been identified in 0.0009% (1/113476) of European (non-Finnish) chromosomes by the Genome Aggregation Database (gnomAD; dbSNP ID: rs1485023784). Although this variant has been seen in the general population in a heterozygous state, its frequency is low enough to be consistent with a recessive carrier frequency. This variant is predicted to cause a frameshift, which alters the protein‚Äôs amino acid sequence beginning at position 589 and leads to a premature termination codon 76 amino acids downstream. This alteration is then predicted to lead to a truncated or absent protein. Loss of function of the PLA2G6 gene is an established disease mechanism in autosomal recessive PLA2G6-associated neurodegeneration. In summary, although additional studies are required to fully establish its clinical significance, this variant is likely pathogenic for autosomal recessive PLA2G6-associated neurodegeneration. ACMG/AMP Criteria applied: PVS1, PM2 (Richards 2015).

Literature cited by the submitters: PubMed 16783378 (cited by Labcorp Genetics (formerly Invitae), Labcorp); PubMed 18570303 (cited by Labcorp Genetics (formerly Invitae), Labcorp); PubMed 18799783 (cited by Labcorp Genetics (formerly Invitae), Labcorp); PubMed 22213678 (cited by Labcorp Genetics (formerly Invitae), Labcorp); PubMed 28295203 (cited by Labcorp Genetics (formerly Invitae), Labcorp).